The following is an entry in ClinVar:

NM_001377137.1(GBF1):c.2216A>G (p.Gln739Arg)

Gene: GBF1 (golgi brefeldin A resistant guanine nucleotide exchange factor 1; plus strand). Cytogenetic location: 10q24.32.
Variant type: single nucleotide variant.
Coding change: c.2216A>G on transcript NM_001377137.1 (MANE Select); coding-DNA position 2216, A replaced by G.
Protein change: p.Gln739Arg; replaces glutamine 739 with arginine.
Molecular consequence: missense variant. On other transcripts: non-coding transcript variant (5).
Genome position (GRCh38, 1-based): chr10:102,365,506, A>G. VCF-style: chr10-102365506-A-G. GRCh37 (hg19) VCF-style: chr10-104125263-A-G.
Other names: p.Gln738Arg; c.2312A>G, p.Gln771Arg (NM_001411027.1, NM_001391922.1); c.2213A>G, p.Gln738Arg (NM_004193.3, NM_001199379.2, NM_001391924.1 and 4 more transcripts); c.2216A>G, p.Gln739Arg (NM_001199378.2, NM_001391923.1); c.2177A>G, p.Gln726Arg (NM_001377138.1, NM_001391925.1); c.1919A>G, p.Gln640Arg (NM_001377139.1, NM_001377140.1); c.2213A>G (NM_004193.2); c.2180A>G, p.Gln727Arg (NM_001391926.1); and 3 more; short protein forms Q640R, Q763R, Q691R, Q726R, Q738R, Q739R, Q612R, Q727R.
Identifiers: ClinVar variation 4541584 (VCV004541584.1).

ClinVar aggregate classification (germline): Uncertain significance. Review status: criteria provided, multiple submitters, no conflicts (2 of 4 stars). 2 submissions from 2 submitters: Uncertain significance (2). Last evaluated 2025-10-22.

gnomAD v4.1: 14 of 1,614,042 alleles (0.00087%); highest among the groups gnomAD compares: Non-Finnish European, 0.0012%; no homozygotes.

Submissions (2):

Ambry Genetics
Classification: Uncertain significance. Last evaluated: 2025-10-22. Review status: criteria provided, single submitter. Criteria: Ambry Variant Classification Scheme 2023. Collection method: clinical testing. Allele origin: germline.

Mayo Clinic Laboratories, Mayo Clinic
Classification: Uncertain significance. Last evaluated: 2025-09-25. Review status: criteria provided, single submitter. Criteria: ACMG Guidelines, 2015. Collection method: clinical testing. Allele origin: germline. Observed: 1 variant allele.
Comment: BP4_moderate